The following is an entry in ClinVar:

NM_015378.4(VPS13D):c.1228C>T (p.Gln410Ter)

Gene: VPS13D (vacuolar protein sorting 13 homolog D; plus strand). Cytogenetic location: 1p36.22.
Variant type: single nucleotide variant.
Coding change: c.1228C>T on transcript NM_015378.4 (MANE Select); coding-DNA position 1228, C replaced by T.
Protein change: p.Gln410Ter; replaces glutamine 410 with a stop codon.
Molecular consequence: nonsense.
Genome position (GRCh38, 1-based): chr1:12,260,963, C>T. VCF-style: chr1-12260963-C-T. GRCh37 (hg19) VCF-style: chr1-12321020-C-T.
Other names: c.1228C>T, p.Gln410Ter (NM_018156.4); short protein forms Q410*.
Identifiers: ClinVar variation 2114147 (VCV002114147.4), dbSNP rs2523943921, ClinGen allele CA338463157.

ClinVar aggregate classification (germline): Pathogenic (1 of 4 stars; one submission).

Submission:

Labcorp Genetics (formerly Invitae), Labcorp
Classification: Pathogenic. Last evaluated: 2022-07-12. Review status: criteria provided, single submitter. Criteria: Invitae Variant Classification Sherloc (09022015). Collection method: clinical testing. Allele origin: germline.
Comment: For these reasons, this variant has been classified as Pathogenic. Algorithms developed to predict the effect of sequence changes on RNA splicing suggest that this variant may disrupt the consensus splice site. This variant has not been reported in the literature in individuals affected with VPS13D-related conditions. This variant is not present in population databases (gnomAD no frequency). This sequence change creates a premature translational stop signal (p.Gln410*) in the VPS13D gene. It is expected to result in an absent or disrupted protein product. Loss-of-function variants in VPS13D are known to be pathogenic (PMID: 29518281).

Literature cited by the submitters: PubMed 29518281.